The following is an entry in ClinVar:

ClinVar aggregate classification (germline): Uncertain significance. Review status: criteria provided, multiple submitters, no conflicts (2 of 4 stars). 4 submissions from 4 submitters: Uncertain significance (4). Last evaluated 2026-04-21.

Conditions:
COL6A3-related disorder. Also called: COL6A3-related disorders; COL6A3-related condition.
Bethlem myopathy 1A. Also called: Bethlem myopathy 1; Bethlem Muscular Dystrophy; MYOPATHY, BENIGN CONGENITAL, WITH CONTRACTURES. Identifiers: Orphanet 610, MedGen CN029274, MONDO:0024530, OMIM 158810.

Allele frequency attached by ClinVar (database versions not stated): gnomAD exomes 0.00001.
gnomAD v4.1: 3 of 1,613,942 alleles (0.00019%); highest among the groups gnomAD compares: Non-Finnish European, 0.00025%; no homozygotes.

Submissions (4):

PreventionGenetics, part of Exact Sciences
Classification: Uncertain significance for COL6A3-related condition. Last evaluated: 2026-04-21. Review status: criteria provided, single submitter. Criteria: ACMG Guidelines, 2015. Collection method: clinical testing. Allele origin: germline.
Comment: The COL6A3 c.4942A>G variant is predicted to result in the amino acid substitution p.Ile1648Val. To our knowledge, this variant has not been reported in the literature or in a large population database (gnomAD), indicating this variant is rare. At this time, the clinical significance of this variant is uncertain due to the absence of conclusive functional and genetic evidence.

Revvity Omics, Revvity
Classification: Uncertain significance. Last evaluated: 2022-09-13. Review status: criteria provided, single submitter. Criteria: ACMG Guidelines, 2015. Collection method: clinical testing. Allele origin: germline.

CeGaT Center for Human Genetics Tuebingen
Classification: Uncertain significance. Last evaluated: 2021-04-01. Review status: criteria provided, single submitter. Criteria: CeGaT Center For Human Genetics Tuebingen Variant Classification Criteria Version 2. Collection method: clinical testing. Allele origin: germline. Affected: yes. Observed: 1 variant allele.

Labcorp Genetics (formerly Invitae), Labcorp
Classification: Uncertain significance for Bethlem myopathy 1A. Last evaluated: 2020-07-24. Review status: criteria provided, single submitter. Criteria: Invitae Variant Classification Sherloc (09022015). Collection method: clinical testing. Allele origin: germline.
Comment: This sequence change replaces isoleucine with valine at codon 1648 of the COL6A3 protein (p.Ile1648Val). The isoleucine residue is moderately conserved and there is a small physicochemical difference between isoleucine and valine. This variant is not present in population databases (ExAC no frequency). This variant has not been reported in the literature in individuals with COL6A3-related conditions. Advanced modeling of protein sequence and biophysical properties (such as structural, functional, and spatial information, amino acid conservation, physicochemical variation, residue mobility, and thermodynamic stability) performed at Invitae indicates that this missense variant is not expected to disrupt COL6A3 protein function. In summary, the available evidence is currently insufficient to determine the role of this variant in disease. Therefore, it has been classified as a Variant of Uncertain Significance.

NM_004369.4(COL6A3):c.4942A>G (p.Ile1648Val)

Gene: COL6A3 (collagen type VI alpha 3 chain; minus strand). Cytogenetic location: 2q37.3.
Variant type: single nucleotide variant.
Coding change: c.4942A>G on transcript NM_004369.4 (MANE Select); coding-DNA position 4942, A replaced by G.
Protein change: p.Ile1648Val; replaces isoleucine 1648 with valine.
Molecular consequence: missense variant.
Genome position (GRCh38, 1-based): chr2:237,367,245, T>C on the plus strand (A>G on the coding strand, the complement: COL6A3 is on the minus strand). VCF-style: chr2-237367245-T-C. GRCh37 (hg19) VCF-style: chr2-238275888-T-C.
Other names: c.4942A>G (NM_004369.3); c.3121A>G, p.Ile1041Val (NM_057166.5); c.4324A>G, p.Ile1442Val (NM_057167.4); short protein forms I1442V, I1648V, I1041V.
Identifiers: ClinVar variation 1038006 (VCV001038006.46), dbSNP rs941055048, ClinGen allele CA67814766.